The following is an entry in ClinVar:

NM_080605.4(B3GALT6):c.437A>G (p.His146Arg)

Gene: B3GALT6 (beta-1,3-galactosyltransferase 6; plus strand). Cytogenetic location: 1p36.33.
Variant type: single nucleotide variant.
Coding change: c.437A>G on transcript NM_080605.4 (MANE Select); coding-DNA position 437, A replaced by G.
Protein change: p.His146Arg; replaces histidine 146 with arginine.
Molecular consequence: missense variant.
Genome position (GRCh38, 1-based): chr1:1,232,715, A>G. VCF-style: chr1-1232715-A-G. GRCh37 (hg19) VCF-style: chr1-1168095-A-G.
Other names: short protein forms H146R.
Identifiers: ClinVar variation 4873875 (VCV004873875.2).

ClinVar aggregate classification (germline): Uncertain significance (1 of 4 stars; one submission).

Submission:

CeGaT Center for Human Genetics Tuebingen
Classification: Uncertain significance. Last evaluated: 2026-05-01. Review status: criteria provided, single submitter. Criteria: CeGaT Center For Human Genetics Tuebingen Variant Classification Criteria Version 2. Collection method: clinical testing. Allele origin: germline. Affected: yes. Observed: 1 variant allele.
Comment: B3GALT6: PM2